The following is an entry in ClinVar:

ClinVar aggregate classification (germline): Likely benign (1 of 4 stars; one submission).

Allele frequency attached by ClinVar (database versions not stated): gnomAD exomes below 0.00001; TOPMed 0.00001.

Submission:

GeneDx
Classification: Likely benign. Last evaluated: 2016-03-22. Review status: criteria provided, single submitter. Criteria: GeneDx Variant Classification (06012015). Collection method: clinical testing. Allele origin: germline. Affected: yes.
Comment: This variant is considered likely benign or benign based on one or more of the following criteria: it is a conservative change, it occurs at a poorly conserved position in the protein, it is predicted to be benign by multiple in silico algorithms, and/or has population frequency not consistent with disease.

NM_194279.3(ISCA2):c.-20G>A

Gene: ISCA2 (iron-sulfur cluster assembly 2; plus strand). Cytogenetic location: 14q24.3.
Variant type: single nucleotide variant.
Coding change: c.-20G>A on transcript NM_194279.3; 20 bases upstream of the start codon, G replaced by A.
Genome position (GRCh38, 1-based): chr14:74,493,755, G>A. VCF-style: chr14-74493755-G-A. GRCh37 (hg19) VCF-style: chr14-74960458-G-A.
Identifiers: ClinVar variation 384212 (VCV000384212.3), dbSNP rs978380881, ClinGen allele CA16606876.